The following is an entry in ClinVar:

NM_016042.4(EXOSC3):c.673dup (p.Tyr225fs)

Gene: EXOSC3 (exosome component 3; minus strand). Cytogenetic location: 9p13.2.
Variant type: Duplication.
Coding change: c.673dup on transcript NM_016042.4 (MANE Select); coding-DNA position 673, one base duplicated (T; older notation c.673dupT).
Protein change: p.Tyr225fs; shifts the reading frame from tyrosine 225.
Molecular consequence: frameshift variant. On other transcripts: 3 prime UTR variant (1).
Genome position (GRCh38, 1-based): chr9:37,780,834, A duplicated on the plus strand (T on the coding strand, the reverse complement: EXOSC3 is on the minus strand). VCF-style (leftmost placement, unchanged base first): chr9-37780833-T-TA. GRCh37 (hg19) VCF-style: chr9-37780830-T-TA.
Other names: c.673dupT (NM_016042.4); c.*26dup (NM_001002269.2); short protein forms Y225fs.
Identifiers: ClinVar variation 2501219 (VCV002501219.2), dbSNP rs2489879936, ClinGen allele CA2580616202.

ClinVar aggregate classification (germline): Conflicting classifications of pathogenicity. Review status: criteria provided, conflicting classifications (1 of 4 stars). 2 submissions from 2 submitters: Likely pathogenic (1); Uncertain significance (1). Last evaluated 2023-03-17.

Conditions:
Pontocerebellar hypoplasia type 1B. Also called: EXOSC3 Pontocerebellar Hypoplasia. Identifiers: Orphanet 2254, MedGen C3553449, MONDO:0013853, OMIM 614678.

Submissions (2):

Women's Health and Genetics/Laboratory Corporation of America, LabCorp
Classification: Uncertain significance. Last evaluated: 2023-03-17. Review status: criteria provided, single submitter. Criteria: LabCorp Variant Classification Summary - May 2015. Collection method: clinical testing. Allele origin: germline.
Comment: Variant summary: EXOSC3 c.673dupT (p.Tyr225LeufsX16) results in a premature termination codon, predicted to cause a truncation of the encoded protein, which is a commonly known mechanism for disease. While this variant is not expected to result in nonsense mediated decay, it is predicted to disrupt the last 51 amino acids of the protein, which includes the K Homology domain, type 1 (IPR004088) of the encoded protein sequence. Truncations downstream of this position have not been reported as pathogenic by our laboratory or in ClinVar or HGMD. The variant was absent in 251096 control chromosomes. To our knowledge, no occurrence of c.673dupT in individuals affected with Pontocerebellar Hypoplasia, Type 1B and no experimental evidence demonstrating its impact on protein function have been reported. No clinical diagnostic laboratories have submitted clinical-significance assessments for this variant to ClinVar after 2014. Based on the evidence outlined above, the variant was classified as VUS.

Kariminejad - Najmabadi Pathology & Genetics Center
Classification: Likely pathogenic for Pontocerebellar hypoplasia type 1B. Review status: criteria provided, single submitter. Criteria: ACMG Guidelines, 2015. Collection method: clinical testing. Allele origin: germline. Affected: no.